The following is an entry in ClinVar:

NM_014704.4(CEP104):c.1297G>A (p.Asp433Asn)

Gene: CEP104 (centrosomal protein 104; minus strand). Cytogenetic location: 1p36.32.
Variant type: single nucleotide variant.
Coding change: c.1297G>A on transcript NM_014704.4 (MANE Select); coding-DNA position 1297, G replaced by A.
Protein change: p.Asp433Asn; replaces aspartic acid 433 with asparagine.
Molecular consequence: missense variant.
Genome position (GRCh38, 1-based): chr1:3,836,515, C>T on the plus strand (G>A on the coding strand, the complement: CEP104 is on the minus strand). VCF-style: chr1-3836515-C-T. GRCh37 (hg19) VCF-style: chr1-3753079-C-T.
Other names: c.1297G>A (NM_014704.3); short protein forms D433N.
Identifiers: ClinVar variation 1040155 (VCV001040155.11), dbSNP rs149976444, ClinGen allele CA551672.
Genomic context (GRCh38, chr1:3,836,515, plus strand): 5'-CCTCTGCCACCCCGTTTTTTTTTTTTTTTTTTTTTTTTACCAAGGTTTCTCCCAACACAT[C>T]GATGGCAGAGCTGGCTTCTCTCAAGGCCTTCTCGGTTAAGGGCTCTGGCTCCCCTAACAT-3'
Protein context (NP_055519.1, residues 423-443): KALREASSAI[Asp433Asn]VLGETLVAEA

ClinVar aggregate classification (germline): Uncertain significance. Review status: criteria provided, multiple submitters, no conflicts (2 of 4 stars). 3 submissions from 3 submitters: Uncertain significance (3). Last evaluated 2024-11-26.

Conditions:
Inborn genetic diseases. Identifiers: MedGen C0950123, MeSH D030342.
Joubert syndrome 25 (JBTS25). Identifiers: Orphanet 475, MedGen C4084842, MONDO:0014770, OMIM 616781.

Allele frequency attached by ClinVar (database versions not stated): gnomAD exomes 0.00003; gnomAD 0.00009; ESP Exome Variant Server 0.00015; 1000 Genomes Project 30x 0.00031; 1000 Genomes Project 0.00040.
gnomAD v4.1: 45 of 1,354,892 alleles (0.0033%); highest among the groups gnomAD compares: Middle Eastern, 0.041%; no homozygotes.

Submissions (3):

Ambry Genetics
Classification: Uncertain significance for Inborn genetic diseases. Last evaluated: 2024-11-26. Review status: criteria provided, single submitter. Criteria: Ambry Variant Classification Scheme 2023. Collection method: clinical testing. Allele origin: germline.

Labcorp Genetics (formerly Invitae), Labcorp
Classification: Uncertain significance for Joubert syndrome 25. Last evaluated: 2024-01-22. Review status: criteria provided, single submitter. Criteria: Invitae Variant Classification Sherloc (09022015). Collection method: clinical testing. Allele origin: germline.
Comment: This sequence change replaces aspartic acid, which is acidic and polar, with asparagine, which is neutral and polar, at codon 433 of the CEP104 protein (p.Asp433Asn). This variant is present in population databases (rs149976444, gnomAD 0.03%). This variant has not been reported in the literature in individuals affected with CEP104-related conditions. ClinVar contains an entry for this variant (Variation ID: 1040155). An algorithm developed to predict the effect of missense changes on protein structure and function (PolyPhen-2) suggests that this variant is likely to be disruptive. In summary, the available evidence is currently insufficient to determine the role of this variant in disease. Therefore, it has been classified as a Variant of Uncertain Significance.

Blueprint Genetics
Classification: Uncertain significance. Last evaluated: 2023-11-16. Review status: criteria provided, single submitter. Criteria: ACMG Guidelines, 2015. Collection method: clinical testing. Allele origin: germline.